The following is an entry in ClinVar:

NM_007294.4(BRCA1):c.5166T>A (p.Ser1722=)

Gene: BRCA1 (BRCA1 DNA repair associated; minus strand). Cytogenetic location: 17q21.31.
Variant type: single nucleotide variant.
Coding change: c.5166T>A on transcript NM_007294.4 (MANE Select); coding-DNA position 5166, T replaced by A.
Protein change: p.Ser1722=; no amino-acid change (serine 1722 retained).
Molecular consequence: synonymous variant.
Genome position (GRCh38, 1-based): chr17:43,063,360, A>T on the plus strand (T>A on the coding strand, the complement: BRCA1 is on the minus strand). VCF-style: chr17-43063360-A-T. GRCh37 (hg19) VCF-style: chr17-41215377-A-T.
Other names: c.1731T>A, p.Ser577= (NM_001408439.1, NM_001408440.1, NM_001408441.1 and 10 more transcripts); c.1728T>A, p.Ser576= (NM_001408445.1, NM_001408446.1, NM_001408447.1 and 2 more transcripts); c.1722T>A, p.Ser574= (NM_001408451.1); c.1716T>A, p.Ser572= (NM_001408452.1, NM_001408453.1, NM_001408454.1 and 3 more transcripts); c.1713T>A, p.Ser571= (NM_001408458.1, NM_001408459.1, NM_001408460.1 and 7 more transcripts); c.1710T>A, p.Ser570= (NM_001408468.1, NM_001408469.1, NM_001408470.1); c.1854T>A, p.Ser618= (NM_001408472.1, NM_007298.4, NM_007299.4 and 13 more transcripts); c.1851T>A, p.Ser617= (NM_001408473.1, NM_001408392.1, NM_001408396.1 and 8 more transcripts); and 72 more.
Identifiers: ClinVar variation 865075 (VCV000865075.3), dbSNP rs2051865502, ClinGen allele CA500146054.
Genomic context (GRCh38, chr17:43,063,360, plus strand): 5'-ATCTCTGGTTAGTTTGTAACATCAAGTACTTACCTCATTCAGCATTTTTCTTTCTTTAAT[A>T]GACTGGGTCACCCCTAAAGAGATCATAGAAAAGACAGGTTACATACAGCAGAAGAACGTG-3'
Protein context (NP_009225.1, residues 1712-1732): WVVSYFWVTQ[Ser1722=]IKERKMLNEH

Conditions:
Breast-ovarian cancer, familial, susceptibility to, 1 (BROVCA1). Also called: BRCA1 Hereditary Breast and Ovarian Cancer; OVARIAN CANCER, SUSCEPTIBILITY TO. Identifiers: Orphanet 145, MedGen C2676676, MONDO:0011450, OMIM 604370. Disease mechanism: loss of function.

Submission:

Brotman Baty Institute, University of Washington
No classification provided (evidence only). Condition: Breast-ovarian cancer, familial 1. Review status: no classification provided. Collection method: in vitro. Allele origin: not applicable. Functional consequence: functionally_normal.
ClinVar note: "not provided" was previously submitted as the classification for the variant. However, the classification appeared to be based only on an observation of functional data so it was converted to no classification on 2025-07-30.